The following is an entry in ClinVar:

NM_213720.3(CHCHD10):c.327C>G (p.Phe109Leu)

Gene: CHCHD10 (coiled-coil-helix-coiled-coil-helix domain containing 10; minus strand). Cytogenetic location: 22q11.23.
Variant type: single nucleotide variant.
Coding change: c.327C>G on transcript NM_213720.3 (MANE Select); coding-DNA position 327, C replaced by G.
Protein change: p.Phe109Leu; replaces phenylalanine 109 with leucine.
Molecular consequence: missense variant. On other transcripts: non-coding transcript variant (2).
Genome position (GRCh38, 1-based): chr22:23,766,210, G>C on the plus strand (C>G on the coding strand, the complement: CHCHD10 is on the minus strand). VCF-style: chr22-23766210-G-C. GRCh37 (hg19) VCF-style: chr22-24108397-G-C.
Other names: c.348C>G, p.Phe116Leu (NM_001301339.2); short protein forms F109L, F116L.
Identifiers: ClinVar variation 540612 (VCV000540612.8), dbSNP rs1438034155, ClinGen allele CA410914777.

ClinVar aggregate classification (germline): Uncertain significance (1 of 4 stars; one submission).

Conditions:
Autosomal dominant mitochondrial myopathy with exercise intolerance (IMMD). Also called: Myopathy, isolated mitochondrial, autosomal dominant. Identifiers: Orphanet 457050, MedGen C4015513, MONDO:0014532, OMIM 616209.
Lower motor neuron syndrome with late-adult onset (SMAJ). Also called: Spinal muscular atrophy, Jokela type; Late-Onset Spinal Motor Neuronopathy (SMAJ). Identifiers: Orphanet 276435, MedGen C3554398, MONDO:0014025, OMIM 615048.
Frontotemporal dementia and/or amyotrophic lateral sclerosis 2. Also called: FTDALS2. Identifiers: Orphanet 275872, MedGen C4014648, MONDO:0014395, OMIM 615911.

Allele frequency attached by ClinVar (database versions not stated): TOPMed 0.00001; gnomAD exomes below 0.00001; gnomAD 0.00003.
gnomAD v4.1: 1 of 1,520,724 alleles (0.000066%); highest among the groups gnomAD compares: Non-Finnish European, 0.000089%; no homozygotes.

Submission:

Labcorp Genetics (formerly Invitae), Labcorp
Classification: Uncertain significance for Lower motor neuron syndrome with late-adult onset; Frontotemporal dementia and/or amyotrophic lateral sclerosis 2; Autosomal dominant mitochondrial myopathy with exercise intolerance. Last evaluated: 2017-11-07. Review status: criteria provided, single submitter. Criteria: Invitae Variant Classification Sherloc (09022015). Collection method: clinical testing. Allele origin: germline.
Comment: This sequence change replaces phenylalanine with leucine at codon 109 of the CHCHD10 protein (p.Phe109Leu). The phenylalanine residue is highly conserved and there is a small physicochemical difference between phenylalanine and leucine. This variant is not present in population databases (ExAC no frequency). This variant has not been reported in the literature in individuals with CHCHD10-related disease. In summary, the available evidence is currently insufficient to determine the role of this variant in disease. Therefore, it has been classified as a Variant of Uncertain Significance. Algorithms developed to predict the effect of missense changes on protein structure and function (SIFT, PolyPhen-2, Align-GVGD) all suggest that this variant is likely to be tolerated, but these predictions have not been confirmed by published functional studies and their clinical significance is uncertain.